The following is an entry in ClinVar:

ClinVar aggregate classification (germline): Uncertain significance (1 of 4 stars; one submission).

Submission:

GeneDx
Classification: Uncertain significance. Last evaluated: 2025-06-20. Review status: criteria provided, single submitter. Criteria: GeneDx Variant Classification Process June 2021. Collection method: clinical testing. Allele origin: germline. Affected: yes.
Comment: Not observed at significant frequency in large population cohorts (gnomAD); In silico analysis suggests that this missense variant does not alter protein structure/function; Has not been previously published as pathogenic or benign to our knowledge

NM_001098511.3(KIF2A):c.352G>A (p.Ala118Thr)

Gene: KIF2A (kinesin family member 2A; plus strand). Cytogenetic location: 5q12.1.
Variant type: single nucleotide variant.
Coding change: c.352G>A on transcript NM_001098511.3 (MANE Select); coding-DNA position 352, G replaced by A.
Protein change: p.Ala118Thr; replaces alanine 118 with threonine.
Molecular consequence: missense variant.
Genome position (GRCh38, 1-based): chr5:62,352,605, G>A. VCF-style: chr5-62352605-G-A. GRCh37 (hg19) VCF-style: chr5-61648432-G-A.
Other names: c.271G>A, p.Ala91Thr (NM_001243952.2); c.352G>A, p.Ala118Thr (NM_001243953.2, NM_004520.5); short protein forms A118T, A91T.
Identifiers: ClinVar variation 4538655 (VCV004538655.1).
Genomic context (GRCh38, chr5:62,352,605, plus strand): 5'-AATTTTCTATCCTGAATTTAAAATTTTTTTTTTTTACTTACAGTGGTTGGTTCAGCACGT[G>A]CACGGCCCAGTCAATTTCCTGAACAGTCTTCCTCTGCACAACAGAATGGTAGTGTTTCAG-3'
Protein context (NP_001091981.1, residues 108-128): RDNRVVGSAR[Ala118Thr]RPSQFPEQSS